The following is an entry in ClinVar:

NM_002768.5(CHMP1A):c.252+111C>T

Gene: CHMP1A (charged multivesicular body protein 1A; minus strand). Cytogenetic location: 16q24.3.
Variant type: single nucleotide variant.
Coding change: c.252+111C>T on transcript NM_002768.5 (MANE Select); 111 bases into the intron after coding-DNA position 252, C replaced by T.
Molecular consequence: intron variant.
Genome position (GRCh38, 1-based): chr16:89,649,240, G>A on the plus strand (C>T on the coding strand, the complement: CHMP1A is on the minus strand). VCF-style: chr16-89649240-G-A. GRCh37 (hg19) VCF-style: chr16-89715648-G-A.
Other names: c.232+111C>T (NM_001083314.4).
Identifiers: ClinVar variation 680104 (VCV000680104.2), dbSNP rs2437957, ClinGen allele CA14332171.

ClinVar aggregate classification (germline): Benign. Review status: criteria provided, multiple submitters, no conflicts (2 of 4 stars). 2 submissions from 2 submitters: Benign (2). Last evaluated 2018-06-19.

Allele frequency attached by ClinVar (database versions not stated): 1000 Genomes Project 0.19050; TOPMed 0.30834; gnomAD 0.36774 and 0.37111.
gnomAD v4.1: 440,546 of 1,080,652 alleles (41%); highest among the groups gnomAD compares: Middle Eastern, 58%; 103,256 homozygotes.

Submissions (2):

GeneDx
Classification: Benign. Last evaluated: 2018-06-19. Review status: criteria provided, single submitter. Criteria: GeneDx Variant Classification (06012015). Collection method: clinical testing. Allele origin: germline. Affected: yes.
Comment: This variant is considered likely benign or benign based on one or more of the following criteria: it is a conservative change, it occurs at a poorly conserved position in the protein, it is predicted to be benign by multiple in silico algorithms, and/or has population frequency not consistent with disease.

Breakthrough Genomics
Classification: Benign. Review status: criteria provided, single submitter. Criteria: ACMG Guidelines, 2015. Collection method: not provided. Allele origin: germline. Inheritance: Autosomal recessive inheritance. Affected: yes.